The following is an entry in ClinVar:

NC_000017.11:g.36257860C>T

Genes: TBC1D3B (TBC1 domain family member 3B; minus strand), TBC1D3I (TBC1 domain family member 3I; minus strand). Cytogenetic location: 17q12.
Variant type: single nucleotide variant.
Molecular consequence: synonymous variant (on NM_001291463.2).
Genome position: GRCh38 VCF-style: chr17-36257860-C-T. GRCh37 (hg19) VCF-style: chr17-34585324-C-T.
Other names: c.636G>A, p.Gln212= (NM_001291463.2).
Identifiers: ClinVar variation 3388612 (VCV003388612.11).

ClinVar aggregate classification (germline): Likely benign (1 of 4 stars; one submission).

Submission:

CeGaT Center for Human Genetics Tuebingen
Classification: Likely benign. Last evaluated: 2024-11-01. Review status: criteria provided, single submitter. Criteria: CeGaT Center For Human Genetics Tuebingen Variant Classification Criteria Version 2. Collection method: clinical testing. Allele origin: germline. Affected: yes. Observed: 1 variant allele.
Comment: TBC1D3B: BP4, BP7